The following is an entry in ClinVar:

NM_015450.3(POT1):c.1009C>T (p.Leu337Phe)

Gene: POT1 (protection of telomeres 1; minus strand). Cytogenetic location: 7q31.33.
Variant type: single nucleotide variant.
Coding change: c.1009C>T on transcript NM_015450.3 (MANE Select); coding-DNA position 1009, C replaced by T.
Protein change: p.Leu337Phe; replaces leucine 337 with phenylalanine.
Molecular consequence: missense variant. On other transcripts: non-coding transcript variant (3).
Genome position (GRCh38, 1-based): chr7:124,842,961, G>A on the plus strand (C>T on the coding strand, the complement: POT1 is on the minus strand). VCF-style: chr7-124842961-G-A. GRCh37 (hg19) VCF-style: chr7-124483015-G-A.
Other names: c.616C>T, p.Leu206Phe (NM_001042594.2); short protein forms L206F, L337F.
Identifiers: ClinVar variation 1003674 (VCV001003674.12), dbSNP rs1795066742, ClinGen allele CA369068658.

ClinVar aggregate classification (germline): Uncertain significance. Review status: criteria provided, multiple submitters, no conflicts (2 of 4 stars). 4 submissions from 4 submitters: Uncertain significance (4). Last evaluated 2025-12-12.

Conditions:
Tumor predisposition syndrome 3 (TPDS3). Also called: Glioma susceptibility 9; LONG TELOMERE SYNDROME, POT1-RELATED; POT1 Tumor Predisposition; Melanoma, cutaneous malignant, susceptibility to, 10. Identifiers: Orphanet 618, MedGen C4014476, MONDO:0014368, OMIM 615848.
Hereditary cancer-predisposing syndrome. Also called: Neoplastic Syndromes, Hereditary; Hereditary Cancer Syndrome; Hereditary neoplastic syndrome; Tumor predisposition. Identifiers: Orphanet 140162, MedGen C0027672, MeSH D009386, MONDO:0015356.

Allele frequency attached by ClinVar (database versions not stated): TOPMed 0.00001.
gnomAD v4.1: 2 of 1,549,870 alleles (0.00013%); highest among the groups gnomAD compares: Non-Finnish European, 0.000087%; no homozygotes.

Submissions (4):

Ambry Genetics
Classification: Uncertain significance for Hereditary cancer-predisposing syndrome. Last evaluated: 2025-12-12. Review status: criteria provided, single submitter. Criteria: Ambry Variant Classification Scheme 2023. Collection method: clinical testing. Allele origin: germline.
Comment: The p.L337F variant (also known as c.1009C>T), located in coding exon 9 of the POT1 gene, results from a C to T substitution at nucleotide position 1009. The leucine at codon 337 is replaced by phenylalanine, an amino acid with highly similar properties. This amino acid position is highly conserved in available vertebrate species. In addition, this alteration is predicted to be tolerated by in silico analysis. Based on the available evidence, the clinical significance of this variant remains unclear.

Labcorp Genetics (formerly Invitae), Labcorp
Classification: Uncertain significance for Tumor predisposition syndrome 3. Last evaluated: 2025-10-29. Review status: criteria provided, single submitter. Criteria: Invitae Variant Classification Sherloc (09022015). Collection method: clinical testing. Allele origin: germline.
Comment: This sequence change replaces leucine, which is neutral and non-polar, with phenylalanine, which is neutral and non-polar, at codon 337 of the POT1 protein (p.Leu337Phe). This variant is not present in population databases (gnomAD no frequency). This variant has not been reported in the literature in individuals affected with POT1-related conditions. ClinVar contains an entry for this variant (Variation ID: 1003674). An algorithm developed to predict the effect of missense changes on protein structure and function (PolyPhen-2) suggests that this variant is likely to be disruptive. In summary, the available evidence is currently insufficient to determine the role of this variant in disease. Therefore, it has been classified as a Variant of Uncertain Significance.

Johns Hopkins Genomics, Johns Hopkins University
Classification: Uncertain significance for Tumor predisposition syndrome 3. Last evaluated: 2022-05-10. Review status: criteria provided, single submitter. Criteria: ACMG Guidelines, 2015. Collection method: clinical testing. Allele origin: germline.
Comment: This POT1 variant (rs1795066742) is absent from a large population dataset and has been reported in ClinVar. Two bioinformatic tools queried predict that this substitution would be damaging, while another predicts it would be tolerated. The leucine residue at this position is evolutionarily conserved across most vertebrate species assessed. Bioinformatic analysis predicts that this missense variant would not affect normal exon 13 splicing. This variant has not been reported in the literature in individuals with POT1-related conditions. We consider the clinical significance of c.1009C>T to be uncertain at this time.

GeneDx
Classification: Uncertain significance. Last evaluated: 2022-03-21. Review status: criteria provided, single submitter. Criteria: GeneDx Variant Classification Process June 2021. Collection method: clinical testing. Allele origin: germline. Affected: yes.
Comment: Not observed at significant frequency in large population cohorts (gnomAD); In silico analysis supports that this missense variant does not alter protein structure/function; Has not been previously published as pathogenic or benign to our knowledge

Literature cited by the submitters: PubMed 31937561 (cited by Johns Hopkins Genomics, Johns Hopkins University); PubMed 32987645 (cited by Johns Hopkins Genomics, Johns Hopkins University); PubMed 33119245 (cited by Johns Hopkins Genomics, Johns Hopkins University); PubMed 34193977 (cited by Johns Hopkins Genomics, Johns Hopkins University).